The following is an entry in ClinVar:

ClinVar aggregate classification (germline): Likely benign. Review status: criteria provided, multiple submitters, no conflicts (2 of 4 stars). 2 submissions from 2 submitters: Likely benign (2). Last evaluated 2023-08-17.

Allele frequency attached by ClinVar (database versions not stated): gnomAD 0.00009; TOPMed 0.00009; ExAC 0.00012; gnomAD exomes 0.00017.
gnomAD v4.1: 246 of 1,573,410 alleles (0.016%); highest among the groups gnomAD compares: Non-Finnish European, 0.021%; no homozygotes.

Submissions (2):

Blueprint Genetics
Classification: Likely benign. Last evaluated: 2023-08-17. Review status: criteria provided, single submitter. Criteria: ACMG Guidelines, 2015. Collection method: clinical testing. Allele origin: germline.

CeGaT Center for Human Genetics Tuebingen
Classification: Likely benign. Last evaluated: 2022-11-01. Review status: criteria provided, single submitter. Criteria: CeGaT Center For Human Genetics Tuebingen Variant Classification Criteria Version 2. Collection method: clinical testing. Allele origin: germline. Affected: yes. Observed: 1 variant allele.
Comment: NBEAL2: BP4, BP7

NM_015175.3(NBEAL2):c.1416G>A (p.Ala472=)

Gene: NBEAL2 (neurobeachin like 2; plus strand). Cytogenetic location: 3p21.31.
Variant type: single nucleotide variant.
Coding change: c.1416G>A on transcript NM_015175.3 (MANE Select); coding-DNA position 1416, G replaced by A.
Protein change: p.Ala472=; no amino-acid change (alanine 472 retained).
Molecular consequence: synonymous variant.
Genome position (GRCh38, 1-based): chr3:46,995,151, G>A. VCF-style: chr3-46995151-G-A. GRCh37 (hg19) VCF-style: chr3-47036641-G-A.
Other names: c.1314G>A, p.Ala438= (NM_001365116.2).
Identifiers: ClinVar variation 2653737 (VCV002653737.25), dbSNP rs781137078, ClinGen allele CA2360386.